The following is an entry in ClinVar:

ClinVar aggregate classification (germline): Pathogenic (1 of 4 stars; one submission).

Allele frequency attached by ClinVar (database versions not stated): gnomAD exomes below 0.00001.

Submission:

Labcorp Genetics (formerly Invitae), Labcorp
Classification: Pathogenic. Last evaluated: 2022-01-12. Review status: criteria provided, single submitter. Criteria: Invitae Variant Classification Sherloc (09022015). Collection method: clinical testing. Allele origin: germline.
Comment: This sequence change creates a premature translational stop signal (p.Tyr8*) in the CNGA3 gene. It is expected to result in an absent or disrupted protein product. Loss-of-function variants in CNGA3 are known to be pathogenic (PMID: 14757870, 24903488, 25637600). This variant is present in population databases (no rsID available, gnomAD 0.005%). This variant has not been reported in the literature in individuals affected with CNGA3-related conditions. For these reasons, this variant has been classified as Pathogenic.

Literature cited by the submitters: PubMed 14757870; PubMed 24903488; PubMed 25637600.

NM_001298.3(CNGA3):c.24C>G (p.Tyr8Ter)

Gene: CNGA3 (cyclic nucleotide gated channel subunit alpha 3; plus strand). Cytogenetic location: 2q11.2.
Variant type: single nucleotide variant.
Coding change: c.24C>G on transcript NM_001298.3 (MANE Select); coding-DNA position 24, C replaced by G.
Protein change: p.Tyr8Ter; replaces tyrosine 8 with a stop codon.
Molecular consequence: nonsense.
Genome position (GRCh38, 1-based): chr2:98,369,999, C>G. VCF-style: chr2-98369999-C-G. GRCh37 (hg19) VCF-style: chr2-98986462-C-G.
Other names: c.24C>G, p.Tyr8Ter (NM_001079878.2); short protein forms Y8*.
Identifiers: ClinVar variation 1459823 (VCV001459823.6), dbSNP rs1443129647, ClinGen allele CA347828774.